The following is an entry in ClinVar:

ClinVar aggregate classification (germline): Pathogenic. Review status: criteria provided, multiple submitters, no conflicts (2 of 4 stars). 2 submissions from 2 submitters: Pathogenic (2). Last evaluated 2024-08-23.

Conditions:
Hereditary cancer-predisposing syndrome. Also called: Hereditary Cancer Syndrome; Neoplastic Syndromes, Hereditary; Hereditary neoplastic syndrome; Tumor predisposition. Identifiers: Orphanet 140162, MedGen C0027672, MeSH D009386, MONDO:0015356.
Breast-ovarian cancer, familial, susceptibility to, 2 (BROVCA2). Also called: BRCA2 Hereditary Breast and Ovarian Cancer. Identifiers: Orphanet 145, MedGen C2675520, MONDO:0012933, OMIM 612555. Disease mechanism: loss of function.

Submissions (2):

Ambry Genetics
Classification: Pathogenic for Hereditary cancer-predisposing syndrome. Last evaluated: 2024-08-23. Review status: criteria provided, single submitter. Criteria: Ambry Variant Classification Scheme 2023. Collection method: clinical testing. Allele origin: germline.
Comment: The c.1303_1307delAGAAA pathogenic mutation, located in coding exon 9 of the BRCA2 gene, results from a deletion of 5 nucleotides at nucleotide positions 1303 to 1307, causing a translational frameshift with a predicted alternate stop codon (p.R435Efs*15). This variant is considered to be rare based on population cohorts in the Genome Aggregation Database (gnomAD). This alteration is expected to result in loss of function by premature protein truncation or nonsense-mediated mRNA decay. As such, this alteration is interpreted as a disease-causing mutation.

Mendelics
Classification: Pathogenic for Breast-ovarian cancer, familial, susceptibility to, 2. Last evaluated: 2019-05-28. Review status: criteria provided, single submitter. Criteria: Mendelics Assertion Criteria 2017. Collection method: clinical testing. Allele origin: unknown.

NM_000059.4(BRCA2):c.1303_1307del (p.Arg435fs)

Gene: BRCA2 (BRCA2 DNA repair associated; plus strand). Cytogenetic location: 13q13.1.
Variant type: Deletion.
Coding change: c.1303_1307del on transcript NM_000059.4 (MANE Select); coding-DNA positions 1303 to 1307, 5 bases deleted (AGAAA; older notation c.1303_1307delAGAAA).
Protein change: p.Arg435fs; shifts the reading frame from arginine 435.
Molecular consequence: frameshift variant.
Genome position (GRCh38, 1-based): chr13:32,332,781-32,332,785, AGAAA deleted; deleting any 5 consecutive bases within chr13:32,332,778-32,332,785 gives the same sequence; the c. name uses the placement nearest the transcript's 3' end. VCF-style (leftmost placement, unchanged base first): chr13-32332777-CAAAAG-C. GRCh37 (hg19) VCF-style: chr13-32906914-CAAAAG-C.
Other names: c.1303_1307delAGAAA (NM_000059.3); short protein forms R435fs.
Identifiers: ClinVar variation 802924 (VCV000802924.2), dbSNP rs1593892461, ClinGen allele CA915946957.